The following is an entry in ClinVar:

NM_006904.7(PRKDC):c.3562A>C (p.Ile1188Leu)

Gene: PRKDC (protein kinase, DNA-activated, catalytic subunit; minus strand). Cytogenetic location: 8q11.21.
Variant type: single nucleotide variant.
Coding change: c.3562A>C on transcript NM_006904.7 (MANE Select); coding-DNA position 3562, A replaced by C.
Protein change: p.Ile1188Leu; replaces isoleucine 1188 with leucine.
Molecular consequence: missense variant.
Genome position (GRCh38, 1-based): chr8:47,897,197, T>G on the plus strand (A>C on the coding strand, the complement: PRKDC is on the minus strand). VCF-style: chr8-47897197-T-G. GRCh37 (hg19) VCF-style: chr8-48809757-T-G.
Other names: c.3562A>C, p.Ile1188Leu (NM_001081640.2); short protein forms I1188L.
Identifiers: ClinVar variation 3310141 (VCV003310141.1).

ClinVar aggregate classification (germline): Uncertain significance (1 of 4 stars; one submission).

Submission:

Ambry Genetics
Classification: Uncertain significance. Last evaluated: 2024-05-09. Review status: criteria provided, single submitter. Criteria: Ambry Variant Classification Scheme 2023. Collection method: clinical testing. Allele origin: germline.
Comment: The p.I1188L variant (also known as c.3562A>C), located in coding exon 30 of the PRKDC gene, results from an A to C substitution at nucleotide position 3562. The isoleucine at codon 1188 is replaced by leucine, an amino acid with highly similar properties. This amino acid position is conserved. In addition, this alteration is predicted to be tolerated by in silico analysis. Based on the available evidence, the clinical significance of this variant remains unclear.